The following is an entry in ClinVar:

ClinVar aggregate classification (germline): Uncertain significance (1 of 4 stars; one submission).

Submission:

Labcorp Genetics (formerly Invitae), Labcorp
Classification: Uncertain significance. Last evaluated: 2024-12-08. Review status: criteria provided, single submitter. Criteria: Invitae Variant Classification Sherloc (09022015). Collection method: clinical testing. Allele origin: germline.
Comment: This sequence change replaces leucine, which is neutral and non-polar, with methionine, which is neutral and non-polar, at codon 1986 of the POLE protein (p.Leu1986Met). This variant is not present in population databases (gnomAD no frequency). This variant has not been reported in the literature in individuals affected with POLE-related conditions. Invitae Evidence Modeling of protein sequence and biophysical properties (such as structural, functional, and spatial information, amino acid conservation, physicochemical variation, residue mobility, and thermodynamic stability) indicates that this missense variant is not expected to disrupt POLE protein function with a negative predictive value of 80%. In summary, the available evidence is currently insufficient to determine the role of this variant in disease. Therefore, it has been classified as a Variant of Uncertain Significance.

NM_006231.4(POLE):c.5956T>A (p.Leu1986Met)

Gene: POLE (DNA polymerase epsilon, catalytic subunit; minus strand). Cytogenetic location: 12q24.33.
Variant type: single nucleotide variant.
Coding change: c.5956T>A on transcript NM_006231.4 (MANE Select); coding-DNA position 5956, T replaced by A.
Protein change: p.Leu1986Met; replaces leucine 1986 with methionine.
Molecular consequence: missense variant.
Genome position (GRCh38, 1-based): chr12:132,634,234, A>T on the plus strand (T>A on the coding strand, the complement: POLE is on the minus strand). VCF-style: chr12-132634234-A-T. GRCh37 (hg19) VCF-style: chr12-133210820-A-T.
Other names: short protein forms L1986M.
Identifiers: ClinVar variation 3705848 (VCV003705848.2).